The following is an entry in ClinVar:

ClinVar aggregate classification (germline): Uncertain significance. Review status: criteria provided, multiple submitters, no conflicts (2 of 4 stars). 8 submissions from 8 submitters: Uncertain significance (6). 2 of the submissions do not count toward it. Last evaluated 2026-04-21.

Conditions:
Glycine encephalopathy. Also called: Non-ketotic hyperglycinemia; Nonketotic hyperglycinemia. Identifiers: Orphanet 407, MedGen C0751748, MONDO:0011612, HP:0008288.
Glycine encephalopathy 1 (GCE1). Identifiers: MedGen CN376801, MONDO:0958179, OMIM 605899.
GLDC-related disorder. Also called: GLDC-related condition.

Allele frequency attached by ClinVar (database versions not stated): gnomAD 0.00001 and 0.00002; gnomAD exomes 0.00008; TOPMed 0.00008; ExAC 0.00010.
gnomAD v4.1: 62 of 1,555,916 alleles (0.004%); highest among the groups gnomAD compares: Admixed American, 0.025%; 1 homozygote.

Submissions (8):

Women's Health and Genetics/Laboratory Corporation of America, LabCorp
Classification: Uncertain significance. Last evaluated: 2026-04-21. Review status: criteria provided, single submitter. Criteria: LabCorp Variant Classification Summary - May 2015. Collection method: clinical testing. Allele origin: germline.
Comment: Variant summary: GLDC c.163C>G (p.Arg55Gly) results in a non-conservative amino acid change in the encoded protein sequence. Algorithms developed to predict the effect of missense changes on protein structure and function all suggest that this variant is likely to be disruptive. The variant allele was found at a frequency of 8.5e-05 in 153624 control chromosomes. This frequency is not significantly higher than estimated for disease-causing variants in GLDC, allowing no conclusion about variant significance. To our knowledge, no occurrence of c.163C>G in individuals affected with GLDC-related conditions and no experimental evidence demonstrating its impact on protein function have been reported. ClinVar contains an entry for this variant (Variation ID: 1008546). Based on the evidence outlined above, the variant was classified as uncertain significance.

Neuberg Centre For Genomic Medicine, NCGM
Classification: Uncertain significance for Glycine encephalopathy 1. Last evaluated: 2023-07-22. Review status: criteria provided, single submitter. Criteria: ACMG Guidelines, 2015. Collection method: clinical testing. Allele origin: germline. Inheritance: Autosomal recessive inheritance. Affected: yes.
Comment: The observed missense c.163C>G p.Arg55Gly variant in GLDC gene has not been reported previously as a pathogenic variant nor as a benign variant, to our knowledge. The p.Arg55Gly variant has allele frequency 0.008% in gnomAD Exomes. This variant has been submitted to the ClinVar database as Uncertain Significance. Multiple lines of computational evidence Polyphen - Benign, SIFT - Tolerated and Mutation Taster - Disease causing predicts conflicting evidence on protein structure and function for this variant. The reference amino acid on GLDC gene is predicted as conserved by GERP++ and PhyloP across 100 vertebrates. The amino acid Arg at position 55 is changed to a Gly changing protein sequence and it might alter its composition and physico-chemical properties. For these reasons, this variant has been classified as Variant of Uncertain Significance VUS.

Blueprint Genetics
Classification: Uncertain significance. Last evaluated: 2023-03-13. Review status: criteria provided, single submitter. Criteria: ACMG Guidelines, 2015. Collection method: clinical testing. Allele origin: germline.

Labcorp Genetics (formerly Invitae), Labcorp
Classification: Uncertain significance for Glycine encephalopathy. Last evaluated: 2022-08-23. Review status: criteria provided, single submitter. Criteria: Invitae Variant Classification Sherloc (09022015). Collection method: clinical testing. Allele origin: germline.
Comment: This sequence change replaces arginine, which is basic and polar, with glycine, which is neutral and non-polar, at codon 55 of the GLDC protein (p.Arg55Gly). This variant is present in population databases (rs755680488, gnomAD 0.03%). This variant has not been reported in the literature in individuals affected with GLDC-related conditions. ClinVar contains an entry for this variant (Variation ID: 1008546). Advanced modeling of protein sequence and biophysical properties (such as structural, functional, and spatial information, amino acid conservation, physicochemical variation, residue mobility, and thermodynamic stability) performed at Invitae indicates that this missense variant is not expected to disrupt GLDC protein function. In summary, the available evidence is currently insufficient to determine the role of this variant in disease. Therefore, it has been classified as a Variant of Uncertain Significance.

GeneDx
Classification: Uncertain significance. Last evaluated: 2022-03-28. Review status: criteria provided, single submitter. Criteria: GeneDx Variant Classification Process June 2021. Collection method: clinical testing. Allele origin: germline. Affected: yes.
Comment: In silico analysis supports that this missense variant does not alter protein structure/function; Has not been previously published as pathogenic or benign to our knowledge

Breakthrough Genomics
Classification: Uncertain significance. Review status: criteria provided, single submitter. Criteria: ACMG Guidelines, 2015. Collection method: not provided. Allele origin: germline. Inheritance: Autosomal recessive inheritance. Affected: yes.

PreventionGenetics, part of Exact Sciences
Classification: Uncertain significance for GLDC-related condition. Last evaluated: 2024-05-29. Review status: no assertion criteria provided. Collection method: clinical testing. Allele origin: germline. Not counted in ClinVar's aggregate classification.
Comment: The GLDC c.163C>G variant is predicted to result in the amino acid substitution p.Arg55Gly. To our knowledge, this variant has not been reported in the literature. This variant is reported in 0.029% of alleles in individuals of Latino descent in gnomAD. At this time, the clinical significance of this variant is uncertain due to the absence of conclusive functional and genetic evidence.

Natera, Inc.
Classification: Uncertain significance for Non-ketotic hyperglycinemia. Last evaluated: 2020-02-26. Review status: no assertion criteria provided. Collection method: clinical testing. Allele origin: germline. Not counted in ClinVar's aggregate classification.

NM_000170.3(GLDC):c.163C>G (p.Arg55Gly)

Gene: GLDC (glycine decarboxylase; minus strand). Cytogenetic location: 9p24.1.
Variant type: single nucleotide variant.
Coding change: c.163C>G on transcript NM_000170.3 (MANE Select); coding-DNA position 163, C replaced by G.
Protein change: p.Arg55Gly; replaces arginine 55 with glycine.
Molecular consequence: missense variant.
Genome position (GRCh38, 1-based): chr9:6,645,337, G>C on the plus strand (C>G on the coding strand, the complement: GLDC is on the minus strand). VCF-style: chr9-6645337-G-C. GRCh37 (hg19) VCF-style: chr9-6645337-G-C.
Other names: c.163C>G (NM_000170.2); short protein forms R55G.
Identifiers: ClinVar variation 1008546 (VCV001008546.13), dbSNP rs755680488, ClinGen allele CA4981282.